The following is an entry in ClinVar:

ClinVar aggregate classification (germline): Conflicting classifications of pathogenicity. Review status: criteria provided, conflicting classifications (1 of 4 stars). 4 submissions from 4 submitters: Uncertain significance (3); Likely benign (1). Last evaluated 2026-03-31.

Conditions:
Charcot-Marie-Tooth Neuropathy X. Identifiers: MedGen CN118851.
Combined oxidative phosphorylation deficiency. Identifiers: MedGen C4540031, MONDO:0000732.
AIFM1-related disorder. Also called: AIFM1-related condition.

Allele frequency attached by ClinVar (database versions not stated): gnomAD exomes 0.00001; TOPMed 0.00002; gnomAD 0.00003.
gnomAD v4.1: 13 of 1,209,153 alleles (0.0011%); highest among the groups gnomAD compares: Non-Finnish European, 0.0015%; no homozygotes.

Submissions (4):

PreventionGenetics, part of Exact Sciences
Classification: Likely benign for AIFM1-related condition. Last evaluated: 2026-03-31. Review status: criteria provided, single submitter. Criteria: ACMG Guidelines, 2015. Collection method: clinical testing. Allele origin: germline.
Comment: This variant is classified as likely benign based on ACMG/AMP sequence variant interpretation guidelines (Richards et al. 2015 PMID: 25741868, with internal and published modifications).

Labcorp Genetics (formerly Invitae), Labcorp
Classification: Uncertain significance for Charcot-Marie-Tooth Neuropathy X; Combined oxidative phosphorylation deficiency. Last evaluated: 2024-06-17. Review status: criteria provided, single submitter. Criteria: Invitae Variant Classification Sherloc (09022015). Collection method: clinical testing. Allele origin: germline.
Comment: This sequence change replaces leucine, which is neutral and non-polar, with glutamine, which is neutral and polar, at codon 607 of the AIFM1 protein (p.Leu607Gln). This variant is present in population databases (no rsID available, gnomAD 0.03%), including at least one homozygous and/or hemizygous individual. This variant has not been reported in the literature in individuals affected with AIFM1-related conditions. ClinVar contains an entry for this variant (Variation ID: 2199077). Advanced modeling of protein sequence and biophysical properties (such as structural, functional, and spatial information, amino acid conservation, physicochemical variation, residue mobility, and thermodynamic stability) has been performed at Invitae for this missense variant, however the output from this modeling did not meet the statistical confidence thresholds required to predict the impact of this variant on AIFM1 protein function. In summary, the available evidence is currently insufficient to determine the role of this variant in disease. Therefore, it has been classified as a Variant of Uncertain Significance.

Mayo Clinic Laboratories, Mayo Clinic
Classification: Uncertain significance. Last evaluated: 2022-11-22. Review status: criteria provided, single submitter. Criteria: ACMG Guidelines, 2015. Collection method: clinical testing. Allele origin: germline. Observed: 1 variant allele.
Comment: PP3

Blueprint Genetics
Classification: Uncertain significance. Last evaluated: 2022-02-21. Review status: criteria provided, single submitter. Criteria: ACMG Guidelines, 2015. Collection method: clinical testing. Allele origin: germline.

NM_004208.4(AIFM1):c.1820T>A (p.Leu607Gln)

Genes: AIFM1 (apoptosis inducing factor mitochondria associated 1; minus strand), RAB33A (RAB33A, member RAS oncogene family; plus strand). Cytogenetic location: Xq26.1.
Variant type: single nucleotide variant.
Coding change: c.1820T>A on transcript NM_004208.4 (MANE Select); coding-DNA position 1820, T replaced by A.
Protein change: p.Leu607Gln; replaces leucine 607 with glutamine.
Molecular consequence: missense variant. On other transcripts: 3 prime UTR variant (1), non-coding transcript variant (1).
Genome position (GRCh38, 1-based): chrX:130,129,579, A>T on the plus strand (T>A on the coding strand, the complement: AIFM1 is on the minus strand). VCF-style: chrX-130129579-A-T. GRCh37 (hg19) VCF-style: chrX-129263554-A-T.
Other names: p.Leu607Gln; c.803T>A, p.Leu268Gln (NM_001130846.4); c.*1048T>A (NM_001130847.4); c.1808T>A, p.Leu603Gln (NM_145812.3); short protein forms L607Q, L268Q, L603Q.
Identifiers: ClinVar variation 2199077 (VCV002199077.7), dbSNP rs863223899, ClinGen allele CA323626.